The following is an entry in ClinVar:

NM_001433705.1(NLRP5):c.1447A>G (p.Met483Val)

Gene: NLRP5 (NLR family pyrin domain containing 5; plus strand). Cytogenetic location: 19q13.43.
Variant type: single nucleotide variant.
Coding change: c.1447A>G on transcript NM_001433705.1 (MANE Select); coding-DNA position 1447, A replaced by G.
Protein change: p.Met483Val; replaces methionine 483 with valine.
Molecular consequence: missense variant.
Genome position (GRCh38, 1-based): chr19:56,027,833, A>G. VCF-style: chr19-56027833-A-G. GRCh37 (hg19) VCF-style: chr19-56539199-A-G.
Other names: NM_153447.4:c.1600A>G; short protein forms M483V.
Identifiers: ClinVar variation 737357 (VCV000737357.25), dbSNP rs201311338, ClinGen allele CA9685615.

ClinVar aggregate classification (germline): Likely benign. Review status: criteria provided, multiple submitters, no conflicts (2 of 4 stars). 2 submissions from 2 submitters: Likely benign (2). Last evaluated 2023-12-01.

Allele frequency attached by ClinVar (database versions not stated): gnomAD exomes 0.00009 and 0.00026; 1000 Genomes Project 30x 0.00016; 1000 Genomes Project 0.00020; ExAC 0.00030; gnomAD 0.00092 and 0.00103; TOPMed 0.00124; ESP Exome Variant Server 0.00134.
gnomAD v4.1: 277 of 1,614,004 alleles (0.017%); highest among the groups gnomAD compares: African/African-American, 0.32%; no homozygotes.

Submissions (2):

CeGaT Center for Human Genetics Tuebingen
Classification: Likely benign. Last evaluated: 2023-12-01. Review status: criteria provided, single submitter. Criteria: CeGaT Center For Human Genetics Tuebingen Variant Classification Criteria Version 2. Collection method: clinical testing. Allele origin: germline. Affected: yes. Observed: 1 variant allele.
Comment: NLRP5: BP4

Labcorp Genetics (formerly Invitae), Labcorp
Classification: Likely benign. Last evaluated: 2018-03-29. Review status: criteria provided, single submitter. Criteria: Invitae Variant Classification Sherloc (09022015). Collection method: clinical testing. Allele origin: germline.